The following is an entry in ClinVar:

ClinVar aggregate classification (germline): Benign/Likely benign. Review status: criteria provided, multiple submitters, no conflicts (2 of 4 stars). 3 submissions from 3 submitters: Benign (1); Likely benign (2). Last evaluated 2026-06-25.

Conditions:
Hereditary cancer-predisposing syndrome. Also called: Neoplastic Syndromes, Hereditary; Tumor predisposition; Hereditary neoplastic syndrome; Hereditary Cancer Syndrome. Identifiers: Orphanet 140162, MedGen C0027672, MeSH D009386, MONDO:0015356.
Retinoblastoma (RB1). Also called: RETINOBLASTOMA, SOMATIC. Identifiers: Orphanet 790, MedGen C0035335, MeSH D012175, MONDO:0008380, OMIM 180200, HP:0009919. Disease mechanism: loss of function. Inheritance: Both sporadic and heritable forms are tested..

gnomAD v4.1: 1 of 1,614,206 alleles (0.000062%); no homozygotes.

Submissions (3):

Myriad Genetics, Inc.
Classification: Benign for Retinoblastoma. Last evaluated: 2026-06-25. Review status: criteria provided, single submitter. Criteria: Myriad Autosomal Dominant, Autosomal Recessive and X-Linked Classification Criteria (2023). Collection method: clinical testing. Allele origin: unknown.
Comment: This variant is considered benign. This variant is a silent/synonymous amino acid change and it is not expected to impact splicing.

All of Us Research Program, National Institutes of Health
Classification: Likely benign for Retinoblastoma. Last evaluated: 2023-10-06. Review status: criteria provided, single submitter. Criteria: ACMG Guidelines, 2015. Collection method: clinical testing. Allele origin: germline. Inheritance: Autosomal dominant inheritance. Observed: 1 variant allele, 1 heterozygote.
Comment: This study involves interpretation of variants in research participants for the purpose of population health screening. Participant phenotype was not available at the time of variant classification. Additional details can be found in publication PMID: 35346344, PMCID: PMC8962531

Ambry Genetics
Classification: Likely benign for Hereditary cancer-predisposing syndrome. Last evaluated: 2020-08-08. Review status: criteria provided, single submitter. Criteria: Ambry Variant Classification Scheme 2023. Collection method: clinical testing. Allele origin: germline.

NM_000321.3(RB1):c.1875T>C (p.Thr625=)

Gene: RB1 (RB transcriptional corepressor 1; plus strand). Cytogenetic location: 13q14.2.
Variant type: single nucleotide variant.
Coding change: c.1875T>C on transcript NM_000321.3 (MANE Select); coding-DNA position 1875, T replaced by C.
Protein change: p.Thr625=; no amino-acid change (threonine 625 retained).
Molecular consequence: synonymous variant.
Genome position (GRCh38, 1-based): chr13:48,456,264, T>C. VCF-style: chr13-48456264-T-C. GRCh37 (hg19) VCF-style: chr13-49030400-T-C.
Other names: c.1875T>C, p.Thr625= (NM_001407165.1).
Identifiers: ClinVar variation 1781769 (VCV001781769.4), dbSNP rs2138331253, ClinGen allele CA483558853.